The following is an entry in ClinVar:

NM_001040716.2(PC):c.2127C>T (p.Asp709=)

Gene: PC (pyruvate carboxylase; minus strand). Cytogenetic location: 11q13.2.
Variant type: single nucleotide variant.
Coding change: c.2127C>T on transcript NM_001040716.2 (MANE Select); coding-DNA position 2127, C replaced by T.
Protein change: p.Asp709=; no amino-acid change (aspartic acid 709 retained).
Molecular consequence: synonymous variant.
Genome position (GRCh38, 1-based): chr11:66,851,136, G>A on the plus strand (C>T on the coding strand, the complement: PC is on the minus strand). VCF-style: chr11-66851136-G-A. GRCh37 (hg19) VCF-style: chr11-66618607-G-A.
Other names: c.2127C>T, p.Asp709= (NM_000920.4, NM_022172.3).
Identifiers: ClinVar variation 680433 (VCV000680433.9), dbSNP rs768324552, ClinGen allele CA6131169.

ClinVar aggregate classification (germline): Likely benign. Review status: criteria provided, multiple submitters, no conflicts (2 of 4 stars). 2 submissions from 2 submitters: Likely benign (2). Last evaluated 2025-02-24.

Conditions:
Pyruvate carboxylase deficiency. Also called: ATAXIA WITH LACTIC ACIDOSIS II; Pyruvate Carboxylase Deficiency Disease; LEIGH NECROTIZING ENCEPHALOPATHY DUE TO PYRUVATE CARBOXYLASE DEFICIENCY; LEIGH SYNDROME DUE TO PYRUVATE CARBOXYLASE DEFICIENCY; PC DEFICIENCY. Identifiers: Orphanet 3008, MedGen C0034341, MONDO:0009949, OMIM 266150.

Allele frequency attached by ClinVar (database versions not stated): gnomAD exomes 0.00001; TOPMed 0.00001; ExAC 0.00002; gnomAD 0.00002.
gnomAD v4.1: 37 of 1,612,472 alleles (0.0023%); highest among the groups gnomAD compares: South Asian, 0.0033%; no homozygotes.

Submissions (2):

Labcorp Genetics (formerly Invitae), Labcorp
Classification: Likely benign for Pyruvate carboxylase deficiency. Last evaluated: 2025-02-24. Review status: criteria provided, single submitter. Criteria: Invitae Variant Classification Sherloc (09022015). Collection method: clinical testing. Allele origin: germline.

GeneDx
Classification: Likely benign. Last evaluated: 2018-03-23. Review status: criteria provided, single submitter. Criteria: GeneDx Variant Classification (06012015). Collection method: clinical testing. Allele origin: germline. Affected: yes.
Comment: This variant is considered likely benign or benign based on one or more of the following criteria: it is a conservative change, it occurs at a poorly conserved position in the protein, it is predicted to be benign by multiple in silico algorithms, and/or has population frequency not consistent with disease.